The following is an entry in ClinVar:

NM_000292.3(PHKA2):c.1459+17del

Gene: PHKA2 (phosphorylase kinase regulatory subunit alpha 2; minus strand). Cytogenetic location: Xp22.13.
Variant type: Deletion.
Coding change: c.1459+17del on transcript NM_000292.3 (MANE Select); 17 bases into the intron after coding-DNA position 1459, one base deleted (T; older notation c.1459+17delT).
Molecular consequence: intron variant.
Genome position (GRCh38, 1-based): chrX:18,926,436, A deleted on the plus strand (T on the coding strand, the reverse complement: PHKA2 is on the minus strand); the first of 2 consecutive A bases (chrX:18,926,436-18,926,437); deleting either gives the same sequence. VCF-style (leftmost placement, unchanged base first): chrX-18926435-TA-T. GRCh37 (hg19) VCF-style: chrX-18944553-TA-T.
Other names: c.1459+17delT (NM_000292.2).
Identifiers: ClinVar variation 507695 (VCV000507695.1), dbSNP rs771238782, ClinGen allele CA327054282.
Genomic context (GRCh38, chrX:18,926,435, plus strand): 5'-ACAGTCTCCCTCAGACCCCAAATCTAGAACCGAGATGCCCCCATGCCAAAAAGGCCCAGG[TA>T]ATTTCCCCAAACCTACCAAGCTTGGCATATATGTGACTAAGAATCCGGCCCGGCTGGACT-3'

ClinVar aggregate classification (germline): Likely benign (1 of 4 stars; one submission).

Submission:

GeneDx
Classification: Likely benign. Last evaluated: 2017-03-07. Review status: criteria provided, single submitter. Criteria: GeneDx Variant Classification (06012015). Collection method: clinical testing. Allele origin: germline. Affected: yes.
Comment: This variant is considered likely benign or benign based on one or more of the following criteria: it is a conservative change, it occurs at a poorly conserved position in the protein, it is predicted to be benign by multiple in silico algorithms, and/or has population frequency not consistent with disease.